The following is an entry in ClinVar:

NM_000143.4(FH):c.77C>T (p.Pro26Leu)

Gene: FH (fumarate hydratase; minus strand). Cytogenetic location: 1q43.
Variant type: single nucleotide variant.
Coding change: c.77C>T on transcript NM_000143.4 (MANE Select); coding-DNA position 77, C replaced by T.
Protein change: p.Pro26Leu; replaces proline 26 with leucine.
Molecular consequence: missense variant.
Genome position (GRCh38, 1-based): chr1:241,519,646, G>A on the plus strand (C>T on the coding strand, the complement: FH is on the minus strand). VCF-style: chr1-241519646-G-A. GRCh37 (hg19) VCF-style: chr1-241682946-G-A.
Other names: p.P26L:CCC>CTC; short protein forms P26L.
Identifiers: ClinVar variation 134415 (VCV000134415.41), dbSNP rs187226800, ClinGen allele CA289160.

ClinVar aggregate classification (germline): Benign/Likely benign. Review status: criteria provided, multiple submitters, no conflicts (2 of 4 stars). 14 submissions from 13 submitters: Benign (10); Likely benign (3). 1 of the submissions does not count toward it. Last evaluated 2026-02-04.

Conditions:
Hereditary cancer-predisposing syndrome. Also called: Tumor predisposition; Hereditary neoplastic syndrome; Hereditary Cancer Syndrome; Neoplastic Syndromes, Hereditary. Identifiers: Orphanet 140162, MedGen C0027672, MeSH D009386, MONDO:0015356.
Fumarase deficiency (FMRD). Also called: Fumarate Hydratase Deficiency; Fumaric aciduria. Identifiers: Orphanet 24, MedGen C0342770, MONDO:0011730, OMIM 606812.
Hereditary leiomyomatosis and renal cell cancer. Also called: MULTIPLE CUTANEOUS AND UTERINE LEIOMYOMATA 1, WITH OR WITHOUT RENAL CELL CARCINOMA; Reed syndrome; Multiple cutaneous and uterine leiomyomatosis; Cutaneous leiomyomata with uterine leiomyomata; Leiomyoma, hereditary multiple, of skin; Multiple cutaneous and uterine leiomyomata. Identifiers: Orphanet 523, MedGen C1708350, MONDO:0007888, OMIM 150800, HP:0007437. Disease mechanism: loss of function.

Allele frequency attached by ClinVar (database versions not stated): TOPMed 0.00096; gnomAD exomes 0.00215 and 0.00078; 1000 Genomes Project 0.00559; 1000 Genomes Project 30x 0.00562; gnomAD 0.00051 and 0.00083; ExAC 0.00076.
gnomAD v4.1: 1,210 of 1,548,066 alleles (0.078%); highest among the groups gnomAD compares: East Asian, 2.7%; 22 homozygotes.

Submissions (14):

Labcorp Genetics (formerly Invitae), Labcorp
Classification: Benign. Last evaluated: 2026-02-04. Review status: criteria provided, single submitter. Criteria: Invitae Variant Classification Sherloc (09022015). Collection method: clinical testing. Allele origin: germline.

CeGaT Center for Human Genetics Tuebingen
Classification: Likely benign. Last evaluated: 2025-11-01. Review status: criteria provided, single submitter. Criteria: CeGaT Center For Human Genetics Tuebingen Variant Classification Criteria Version 2. Collection method: clinical testing. Allele origin: germline. Affected: yes. Observed: 1 variant allele.
Comment: FH: BS1

Quest Diagnostics Nichols Institute San Juan Capistrano
Classification: Benign. Last evaluated: 2025-08-26. Review status: criteria provided, single submitter. Criteria: Quest Diagnostics criteria. Collection method: clinical testing. Allele origin: unknown.

Center for Genomic Medicine, Rigshospitalet, Copenhagen University Hospital
Classification: Benign. Last evaluated: 2025-03-04. Review status: criteria provided, single submitter. Criteria: ACMG Guidelines, 2015. Collection method: clinical testing. Allele origin: germline.

Myriad Genetics, Inc.
Classification: Likely benign for Hereditary leiomyomatosis and renal cell cancer. Last evaluated: 2024-10-17. Review status: criteria provided, single submitter. Criteria: Myriad Autosomal Dominant, Autosomal Recessive and X-Linked Classification Criteria (2023). Collection method: clinical testing. Allele origin: unknown.
Comment: This variant is considered likely benign. This variant has been observed at a population frequency that is significantly greater than expected given the associated disease prevalence and penetrance.

Fulgent Genetics
Classification: Likely benign for Hereditary leiomyomatosis and renal cell cancer; Fumarase deficiency. Last evaluated: 2022-05-04. Review status: criteria provided, single submitter. Criteria: ACMG Guidelines, 2015. Collection method: clinical testing. Allele origin: unknown.

Department of Pathology and Laboratory Medicine, Sinai Health System
Classification: Benign for Hereditary leiomyomatosis and renal cell cancer; Fumarase deficiency. Last evaluated: 2022-02-25. Review status: criteria provided, single submitter. Criteria: ACMG Guidelines, 2015. Collection method: clinical testing. Allele origin: germline. Affected: yes.

Women's Health and Genetics/Laboratory Corporation of America, LabCorp
Classification: Benign. Last evaluated: 2020-06-16. Review status: criteria provided, single submitter. Criteria: LabCorp Variant Classification Summary - May 2015. Collection method: clinical testing. Allele origin: germline.
Comment: Variant summary: FH c.77C>T (p.Pro26Leu) results in a non-conservative amino acid change in the encoded protein sequence. Three of five in-silico tools predict a benign effect of the variant on protein function. The variant allele was found at a frequency of 0.0021 in 145660 control chromosomes, predominantly at a frequency of 0.028 within the East Asian subpopulation in the gnomAD database, including 4 homozygotes. The observed variant frequency within East Asian control individuals in the gnomAD database is approximately 11200 fold of the estimated maximal expected allele frequency for a pathogenic variant in FH causing Hereditary Leiomyomatosis and Renal Cell Cancer phenotype (2.5e-06), strongly suggesting that the variant is a benign polymorphism found primarily in populations of East Asian origin. c.77C>T has been reported in the literature (e.g. Pan_2019). Four ClinVar submitters (evaluation after 2014) cite the variant as benign/likely benign. Based on the evidence outlined above, the variant was classified as benign.

Illumina Laboratory Services, Illumina
Classification: Benign for Hereditary leiomyomatosis and renal cell cancer. Last evaluated: 2018-01-13. Review status: criteria provided, single submitter. Criteria: ICSL Variant Classification Criteria 13 December 2019. Collection method: clinical testing. Allele origin: germline.
Comment: This variant was observed in the ICSL laboratory as part of a predisposition screen in an ostensibly healthy population. It had not been previously curated by ICSL or reported in the Human Gene Mutation Database (HGMD: prior to June 1st, 2018), and was therefore a candidate for classification through an automated scoring system. Utilizing variant allele frequency, disease prevalence and penetrance estimates, and inheritance mode, an automated score was calculated to assess if this variant is too frequent to cause the disease. Based on the score and internal cut-off values, a variant classified as benign is not then subjected to further curation. The score for this variant resulted in a classification of benign for this disease.

Illumina Laboratory Services, Illumina
Classification: Benign for Fumarase deficiency. Last evaluated: 2018-01-13. Review status: criteria provided, single submitter. Criteria: ICSL Variant Classification Criteria 13 December 2019. Collection method: clinical testing. Allele origin: germline.
Comment: the same text as in the submission from Illumina Laboratory Services, Illumina above.

Ambry Genetics
Classification: Benign for Hereditary cancer-predisposing syndrome. Last evaluated: 2015-09-30. Review status: criteria provided, single submitter. Criteria: Ambry Variant Classification Scheme 2023. Collection method: clinical testing. Allele origin: germline.

GeneDx
Classification: Benign. Last evaluated: 2014-07-10. Review status: criteria provided, single submitter. Criteria: GeneDx Variant Classification (06012015). Collection method: clinical testing. Allele origin: germline. Affected: yes.
Comment: This variant is considered likely benign or benign based on one or more of the following criteria: it is a conservative change, it occurs at a poorly conserved position in the protein, it is predicted to be benign by multiple in silico algorithms, and/or has population frequency not consistent with disease.

PreventionGenetics, part of Exact Sciences
Classification: Benign. Review status: criteria provided, single submitter. Criteria: ACMG Guidelines, 2015. Collection method: clinical testing. Allele origin: germline.

ITMI
No classification provided. Condition: AllHighlyPenetrant. Last evaluated: 2013-09-19. Review status: no classification provided. Collection method: reference population. Allele origin: germline. Not counted in ClinVar's aggregate classification.
Comment: Please see associated publication for description of ethnicities

Literature cited by the submitters: PubMed 30967997 (cited by Quest Diagnostics Nichols Institute San Juan Capistrano and Women's Health and Genetics/Laboratory Corporation of America, LabCorp); PubMed 26580448 (cited by Quest Diagnostics Nichols Institute San Juan Capistrano); PubMed 32376712 (cited by Quest Diagnostics Nichols Institute San Juan Capistrano); PubMed 24728327 (cited by 3 submitters).